The following is an entry in ClinVar:

NM_005961.3(MUC6):c.4296C>A (p.Thr1432=)

Gene: MUC6 (mucin 6, oligomeric mucus/gel-forming (gene/pseudogene); minus strand). Cytogenetic location: 11p15.5.
Variant type: single nucleotide variant.
Coding change: c.4296C>A on transcript NM_005961.3 (MANE Select); coding-DNA position 4296, C replaced by A.
Protein change: p.Thr1432=; no amino-acid change (threonine 1432 retained).
Molecular consequence: synonymous variant.
Genome position (GRCh38, 1-based): chr11:1,018,505, G>T on the plus strand (C>A on the coding strand, the complement: MUC6 is on the minus strand). VCF-style: chr11-1018505-G-T. GRCh37 (hg19) VCF-style: chr11-1018505-G-T.
Identifiers: ClinVar variation 3388419 (VCV003388419.14).

ClinVar aggregate classification (germline): Likely benign (1 of 4 stars; one submission).

Submission:

CeGaT Center for Human Genetics Tuebingen
Classification: Likely benign. Last evaluated: 2024-09-01. Review status: criteria provided, single submitter. Criteria: CeGaT Center For Human Genetics Tuebingen Variant Classification Criteria Version 2. Collection method: clinical testing. Allele origin: germline. Affected: yes. Observed: 1 variant allele.
Comment: MUC6: BP4, BP7